The following is an entry in ClinVar:

NM_020207.7(ERCC6L2):c.117A>G (p.Ile39Met)

Gene: ERCC6L2 (ERCC excision repair 6 like 2; plus strand). Cytogenetic location: 9q22.32.
Variant type: single nucleotide variant.
Coding change: c.117A>G on transcript NM_020207.7 (MANE Select); coding-DNA position 117, A replaced by G.
Protein change: p.Ile39Met; replaces isoleucine 39 with methionine.
Molecular consequence: missense variant. On other transcripts: non-coding transcript variant (1).
Genome position (GRCh38, 1-based): chr9:95,880,939, A>G. VCF-style: chr9-95880939-A-G. GRCh37 (hg19) VCF-style: chr9-98643221-A-G.
Other names: c.117A>G, p.Ile39Met (NM_001010895.4, NM_001375291.1, NM_001375292.1 and 2 more transcripts); short protein forms I39M.
Identifiers: ClinVar variation 1928688 (VCV001928688.5), dbSNP rs374932786, ClinGen allele CA5139244.

ClinVar aggregate classification (germline): Uncertain significance. Review status: criteria provided, multiple submitters, no conflicts (2 of 4 stars). 2 submissions from 2 submitters: Uncertain significance (2). Last evaluated 2025-11-15.

Conditions:
Inborn genetic diseases. Identifiers: MedGen C0950123, MeSH D030342.

Allele frequency attached by ClinVar (database versions not stated): ExAC 0.00002; gnomAD 0.00002; TOPMed 0.00002; ESP Exome Variant Server 0.00008.
gnomAD v4.1: 12 of 1,613,858 alleles (0.00074%); highest among the groups gnomAD compares: African/African-American, 0.004%; no homozygotes.

Submissions (2):

Labcorp Genetics (formerly Invitae), Labcorp
Classification: Uncertain significance. Last evaluated: 2025-11-15. Review status: criteria provided, single submitter. Criteria: Invitae Variant Classification Sherloc (09022015). Collection method: clinical testing. Allele origin: germline.
Comment: This sequence change replaces isoleucine, which is neutral and non-polar, with methionine, which is neutral and non-polar, at codon 50 of the ERCC6L2 protein (p.Ile50Met). This variant is present in population databases (rs374932786, gnomAD 0.008%). This variant has not been reported in the literature in individuals affected with ERCC6L2-related conditions. ClinVar contains an entry for this variant (Variation ID: 1928688). Experimental studies and prediction algorithms are not available or were not evaluated, and the functional significance of this variant is currently unknown. In summary, the available evidence is currently insufficient to determine the role of this variant in disease. Therefore, it has been classified as a Variant of Uncertain Significance.

Ambry Genetics
Classification: Uncertain significance for Inborn genetic diseases. Last evaluated: 2025-02-06. Review status: criteria provided, single submitter. Criteria: Ambry Variant Classification Scheme 2023. Collection method: clinical testing. Allele origin: germline.
Comment: The p.I39M variant (also known as c.117A>G), located in coding exon 2 of the ERCC6L2 gene, results from an A to G substitution at nucleotide position 117. The isoleucine at codon 39 is replaced by methionine, an amino acid with highly similar properties. This amino acid position is conserved. In addition, the in silico prediction for this alteration is inconclusive. Based on the available evidence, the clinical significance of this variant remains unclear.